The following is an entry in ClinVar:

NM_000059.4(BRCA2):c.8T>C (p.Ile3Thr)

Gene: BRCA2 (BRCA2 DNA repair associated; plus strand). Cytogenetic location: 13q13.1.
Variant type: single nucleotide variant.
Coding change: c.8T>C on transcript NM_000059.4 (MANE Select); coding-DNA position 8, T replaced by C.
Protein change: p.Ile3Thr; replaces isoleucine 3 with threonine.
Molecular consequence: missense variant.
Genome position (GRCh38, 1-based): chr13:32,316,468, T>C. VCF-style: chr13-32316468-T-C. GRCh37 (hg19) VCF-style: chr13-32890605-T-C.
Other names: short protein forms I3T.
Identifiers: ClinVar variation 433743 (VCV000433743.17), dbSNP rs1555280096, ClinGen allele CA387752900.
Genomic context (GRCh38, chr13:32,316,468, plus strand): 5'-CTTCTGTTTTGCAGACTTATTTACCAAGCATTGGAGGAATATCGTAGGTAAAAATGCCTA[T>C]TGGATCCAAAGAGAGGCCAACATTTTTTGAAATTTTTAAGACACGCTGCAACAAAGCAGG-3'
Protein context (NP_000050.3, residues 1-13): MP[Ile3Thr]GSKERPTFFE

ClinVar aggregate classification (germline): Conflicting classifications of pathogenicity. Review status: criteria provided, conflicting classifications (1 of 4 stars). 5 submissions from 5 submitters: Uncertain significance (3); Likely benign (1). 1 of the submissions does not count toward it. Last evaluated 2025-12-29.

Conditions:
Hereditary cancer-predisposing syndrome. Also called: Hereditary Cancer Syndrome; Hereditary neoplastic syndrome; Neoplastic Syndromes, Hereditary; Tumor predisposition. Identifiers: Orphanet 140162, MedGen C0027672, MeSH D009386, MONDO:0015356.
Hereditary breast ovarian cancer syndrome. Also called: Hereditary breast and ovarian cancer syndrome (HBOC); Breast and ovarian cancer; BRCA1- and BRCA2-Associated Hereditary Breast and Ovarian Cancer; Hereditary breast and/or ovarian cancer syndrome; Hereditary breast and ovarian cancer; Hereditary breast and ovarian cancer syndrome. Identifiers: Orphanet 145, MedGen C0677776, MeSH D061325, MONDO:0003582. Disease mechanism: loss of function.
Familial cancer of breast. Also called: hereditary breast carcinoma; Hereditary breast cancer; BREAST CANCER, FAMILIAL. Identifiers: Orphanet 227535, MedGen C0346153, MONDO:0016419, OMIM 114480. Disease mechanism: loss of function.
Malignant tumor of breast. Also called: Malignant breast neoplasm; Cancer breast. Identifiers: MedGen C0006142, MONDO:0007254. Disease mechanism: loss of function.

Submissions (5):

Labcorp Genetics (formerly Invitae), Labcorp
Classification: Uncertain significance for Hereditary breast ovarian cancer syndrome. Last evaluated: 2025-12-29. Review status: criteria provided, single submitter. Criteria: Invitae Variant Classification Sherloc (09022015). Collection method: clinical testing. Allele origin: germline.
Comment: This sequence change replaces isoleucine, which is neutral and non-polar, with threonine, which is neutral and polar, at codon 3 of the BRCA2 protein (p.Ile3Thr). This variant is not present in population databases (gnomAD no frequency). This missense change has been observed in individual(s) with clinical features of BRCA2-related conditions (PMID: 21520333). ClinVar contains an entry for this variant (Variation ID: 433743). Invitae Evidence Modeling of protein sequence and biophysical properties (such as structural, functional, and spatial information, amino acid conservation, physicochemical variation, residue mobility, and thermodynamic stability) indicates that this missense variant is not expected to disrupt BRCA2 protein function with a negative predictive value of 95%. In summary, the available evidence is currently insufficient to determine the role of this variant in disease. Therefore, it has been classified as a Variant of Uncertain Significance.

Ambry Genetics
Classification: Likely benign for Hereditary cancer-predisposing syndrome. Last evaluated: 2024-08-22. Review status: criteria provided, single submitter. Criteria: Ambry Variant Classification Scheme 2023. Collection method: clinical testing. Allele origin: germline.

Baylor Genetics
Classification: Uncertain significance for Familial cancer of breast. Last evaluated: 2023-06-13. Review status: criteria provided, single submitter. Criteria: ACMG Guidelines, 2015. Collection method: clinical testing. Allele origin: unknown.

Quest Diagnostics Nichols Institute San Juan Capistrano
Classification: Uncertain significance. Last evaluated: 2022-10-17. Review status: criteria provided, single submitter. Criteria: Quest Diagnostics criteria. Collection method: clinical testing. Allele origin: unknown.
Comment: It has not been reported in large, multi-ethnic general populations. Limited information regarding the clinical significance of this variant has been found in the published literature (PMID: 31911673 (2020)). Analysis of this variant using bioinformatics tools for the prediction of the effect of amino acid changes on protein structure and function yielded predictions that this variant is benign. Based on the available information, we are unable to determine the clinical significance of this variant.

Department of Pathology and Laboratory Medicine, Sinai Health System
Classification: Uncertain significance for Malignant tumor of breast. Review status: no assertion criteria provided. Collection method: clinical testing. Allele origin: unknown. Affected: yes. Study: The Canadian Open Genetics Repository (COGR). Not counted in ClinVar's aggregate classification.
Comment: The p.Ile3Thr variant was not identified in the literature nor was it identified in the dbSNP, NHLBI Exome Sequencing Project (Exome Variant Server), HGMD, LOVD, COSMIC, UMD, ClinVar, or BIC databases. The p.Ile3 residue is not conserved in mammals and four out of five computational analyses (PolyPhen-2, SIFT, AlignGVGD, BLOSUM, MutationTaster) do not suggest a high likelihood of impact to the protein. However, this information is not predictive enough to rule out pathogenicity. In summary, based on the above information, the clinical significance of this variant cannot be determined with certainty at this time. This variant is classified as a variant of unknown significance.

Literature cited by the submitters: PubMed 21520333 (cited by Labcorp Genetics (formerly Invitae), Labcorp); PubMed 31911673 (cited by Quest Diagnostics Nichols Institute San Juan Capistrano).